The following is an entry in ClinVar:

ClinVar aggregate classification (germline): Likely benign (1 of 4 stars; one submission).

Conditions:
PLEC-related disorder. Also called: PLEC-related condition; PLEC-related disorders.

gnomAD v4.1: 1 of 1,613,988 alleles (0.000062%); highest among the groups gnomAD compares: Non-Finnish European, 0.000085%; no homozygotes.

Submission:

PreventionGenetics, part of Exact Sciences
Classification: Likely benign for PLEC-related condition. Last evaluated: 2026-05-11. Review status: criteria provided, single submitter. Criteria: ACMG Guidelines, 2015. Collection method: clinical testing. Allele origin: germline.
Comment: This variant is classified as likely benign based on ACMG/AMP sequence variant interpretation guidelines (Richards et al. 2015 PMID: 25741868, with internal and published modifications).

NM_201384.3(PLEC):c.12270C>T (p.Phe4090=)

Gene: PLEC (plectin; minus strand). Cytogenetic location: 8q24.3.
Variant type: single nucleotide variant.
Coding change: c.12270C>T on transcript NM_201384.3 (MANE Select); coding-DNA position 12270, C replaced by T.
Protein change: p.Phe4090=; no amino-acid change (phenylalanine 4090 retained).
Molecular consequence: synonymous variant.
Genome position (GRCh38, 1-based): chr8:143,917,551, G>A on the plus strand (C>T on the coding strand, the complement: PLEC is on the minus strand). VCF-style: chr8-143917551-G-A. GRCh37 (hg19) VCF-style: chr8-144991719-G-A.
Other names: c.12351C>T, p.Phe4117= (NM_000445.5); c.8970C>T, p.Phe2990= (NM_001410941.1); c.12228C>T, p.Phe4076= (NM_201378.4); c.12204C>T, p.Phe4068= (NM_201379.3); c.12681C>T, p.Phe4227= (NM_201380.4); c.12174C>T, p.Phe4058= (NM_201381.3); c.12270C>T, p.Phe4090= (NM_201382.4); c.12282C>T, p.Phe4094= (NM_201383.3).
Identifiers: ClinVar variation 4992673 (VCV004992673.1).